The following is an entry in ClinVar:

ClinVar aggregate classification (germline): Uncertain significance (1 of 4 stars; one submission).

Allele frequency attached by ClinVar (database versions not stated): gnomAD 0.00001; TOPMed 0.00001; ExAC 0.00002; gnomAD exomes 0.00002; ESP Exome Variant Server 0.00008.
gnomAD v4.1: 26 of 1,614,016 alleles (0.0016%); highest among the groups gnomAD compares: Non-Finnish European, 0.0019%; no homozygotes.

Submission:

Labcorp Genetics (formerly Invitae), Labcorp
Classification: Uncertain significance. Last evaluated: 2021-12-22. Review status: criteria provided, single submitter. Criteria: Invitae Variant Classification Sherloc (09022015). Collection method: clinical testing. Allele origin: germline.
Comment: This sequence change replaces arginine, which is basic and polar, with glycine, which is neutral and non-polar, at codon 39 of the TBXAS1 protein (p.Arg39Gly). This variant is present in population databases (rs137899905, gnomAD 0.004%). This variant has not been reported in the literature in individuals affected with TBXAS1-related conditions. Advanced modeling of protein sequence and biophysical properties (such as structural, functional, and spatial information, amino acid conservation, physicochemical variation, residue mobility, and thermodynamic stability) performed at Invitae indicates that this missense variant is not expected to disrupt TBXAS1 protein function. In summary, the available evidence is currently insufficient to determine the role of this variant in disease. Therefore, it has been classified as a Variant of Uncertain Significance.

NM_001061.7(TBXAS1):c.112A>G (p.Arg38Gly)

Gene: TBXAS1 (thromboxane A synthase 1; plus strand). Cytogenetic location: 7q34.
Variant type: single nucleotide variant.
Coding change: c.112A>G on transcript NM_001061.7 (MANE Select); coding-DNA position 112, A replaced by G.
Protein change: p.Arg38Gly; replaces arginine 38 with glycine.
Molecular consequence: missense variant. On other transcripts: 5 prime UTR variant (1).
Genome position (GRCh38, 1-based): chr7:139,872,257, A>G. VCF-style: chr7-139872257-A-G. GRCh37 (hg19) VCF-style: chr7-139572056-A-G.
Other names: c.112A>G, p.Arg38Gly (NM_001130966.5, NM_001166253.4, NM_001366538.2 and 1 more transcripts); c.-90A>G (NM_001166254.4); c.26A>G, p.Lys9Arg (NM_001314028.4, NM_001366537.3); short protein forms K9R, R38G, R39G.
Identifiers: ClinVar variation 2174843 (VCV002174843.4), dbSNP rs137899905, ClinGen allele CA4511469.